The following is an entry in ClinVar:

NM_001377540.1(SLMAP):c.1580A>C (p.Gln527Pro)

Gene: SLMAP (sarcolemma associated protein; plus strand). Cytogenetic location: 3p14.3.
Variant type: single nucleotide variant.
Coding change: c.1580A>C on transcript NM_001377540.1 (MANE Select); coding-DNA position 1580, A replaced by C.
Protein change: p.Gln527Pro; replaces glutamine 527 with proline.
Molecular consequence: missense variant. On other transcripts: intron variant (12).
Genome position (GRCh38, 1-based): chr3:57,907,962, A>C. VCF-style: chr3-57907962-A-C. GRCh37 (hg19) VCF-style: chr3-57893689-A-C.
Other names: c.1529A>C, p.Gln510Pro (NM_001304420.3, NM_001377541.1, NM_001377542.1); c.1415A>C, p.Gln472Pro (NM_001304421.2, NM_001377557.1, NM_001377559.1); c.131A>C, p.Gln44Pro (NM_001304422.3, NM_001311178.2); c.1580A>C, p.Gln527Pro (NM_001377538.1, NM_001377539.1); c.1517A>C, p.Gln506Pro (NM_001377545.1); c.1478A>C, p.Gln493Pro (NM_001377549.1, NM_007159.5); c.1466A>C, p.Gln489Pro (NM_001377551.1, NM_001377552.1); c.1502-1114A>C (NM_001377555.1); and 8 more; short protein forms Q472P, Q489P, Q493P, Q510P, Q506P, Q44P, Q527P.
Identifiers: ClinVar variation 2157549 (VCV002157549.6), dbSNP rs2096607956, ClinGen allele CA353407153.

ClinVar aggregate classification (germline): Uncertain significance. Review status: criteria provided, multiple submitters, no conflicts (2 of 4 stars). 2 submissions from 2 submitters: Uncertain significance (2). Last evaluated 2024-10-04.

Conditions:
Brugada syndrome. Also called: Sudden unexpected nocturnal death syndrome; Sudden Unexplained Death Syndrome; Sudden Unexplained Nocturnal Death Syndrome (SUNDS); Sudden unexplained nocturnal death syndrome. Identifiers: Orphanet 130, MedGen C1142166, MONDO:0015263.

Allele frequency attached by ClinVar (database versions not stated): gnomAD 0.00001.
gnomAD v4.1: 2 of 1,613,846 alleles (0.00012%); highest among the groups gnomAD compares: Admixed American, 0.0017%; no homozygotes.

Submissions (2):

Ambry Genetics
Classification: Uncertain significance. Last evaluated: 2024-10-04. Review status: criteria provided, single submitter. Criteria: Ambry Variant Classification Scheme 2023. Collection method: clinical testing. Allele origin: germline.

Labcorp Genetics (formerly Invitae), Labcorp
Classification: Uncertain significance for Brugada syndrome. Last evaluated: 2022-02-17. Review status: criteria provided, single submitter. Criteria: Invitae Variant Classification Sherloc (09022015). Collection method: clinical testing. Allele origin: germline.
Comment: In summary, the available evidence is currently insufficient to determine the role of this variant in disease. Therefore, it has been classified as a Variant of Uncertain Significance. Algorithms developed to predict the effect of missense changes on protein structure and function are either unavailable or do not agree on the potential impact of this missense change (SIFT: "Deleterious"; PolyPhen-2: "Probably Damaging"; Align-GVGD: "Class C0"). This variant has not been reported in the literature in individuals affected with SLMAP-related conditions. This variant is not present in population databases (gnomAD no frequency). This sequence change replaces glutamine, which is neutral and polar, with proline, which is neutral and non-polar, at codon 493 of the SLMAP protein (p.Gln493Pro).